The following is an entry in ClinVar:

ClinVar aggregate classification (germline): Uncertain significance (1 of 4 stars; one submission).

Conditions:
Fanconi anemia (FA). Also called: Fanconi's anemia. Identifiers: Orphanet 84, MedGen C0015625, MeSH D005199, MONDO:0019391.

gnomAD v4.1: 2 of 1,594,482 alleles (0.00013%); highest among the groups gnomAD compares: Non-Finnish European, 0.00017%; no homozygotes.

Submission:

Labcorp Genetics (formerly Invitae), Labcorp
Classification: Uncertain significance for Fanconi anemia. Last evaluated: 2024-07-30. Review status: criteria provided, single submitter. Criteria: Invitae Variant Classification Sherloc (09022015). Collection method: clinical testing. Allele origin: germline.
Comment: This sequence change falls in intron 4 of the FANCC gene. It does not directly change the encoded amino acid sequence of the FANCC protein. It affects a nucleotide within the consensus splice site. This variant is present in population databases (rs781056477, gnomAD 0.002%). This variant has not been reported in the literature in individuals affected with FANCC-related conditions. Variants that disrupt the consensus splice site are a relatively common cause of aberrant splicing (PMID: 17576681, 9536098). Algorithms developed to predict the effect of sequence changes on RNA splicing suggest that this variant is not likely to affect RNA splicing. In summary, the available evidence is currently insufficient to determine the role of this variant in disease. Therefore, it has been classified as a Variant of Uncertain Significance.

Literature cited by the submitters: PubMed 17576681; PubMed 9536098.

NM_000136.3(FANCC):c.345+5G>A

Gene: FANCC (FA complementation group C; minus strand). Cytogenetic location: 9q22.32.
Variant type: single nucleotide variant.
Coding change: c.345+5G>A on transcript NM_000136.3 (MANE Select); 5 bases into the intron after coding-DNA position 345, G replaced by A.
Molecular consequence: intron variant.
Genome position (GRCh38, 1-based): chr9:95,240,644, C>T on the plus strand (G>A on the coding strand, the complement: FANCC is on the minus strand). VCF-style: chr9-95240644-C-T. GRCh37 (hg19) VCF-style: chr9-98002926-C-T.
Other names: c.345+5G>A (NM_001243743.2, NM_001243744.2).
Identifiers: ClinVar variation 3713325 (VCV003713325.2).
Genomic context (GRCh38, chr9:95,240,644, plus strand): 5'-TTAAGCAGCACTTTTAAATAATCAATTTAATTCAAAGAAGTGCAGAGCAAGATTTACTCT[C>T]TTACCTGTATCCAGGAGTTAAGTTTTGATTGTCCAGAATTCTGTGGTTCTTTGTTAATTA-3'